The following is an entry in ClinVar:

ClinVar aggregate classification (germline): Likely benign. Review status: criteria provided, multiple submitters, no conflicts (2 of 4 stars). 3 submissions from 3 submitters: Likely benign (3). Last evaluated 2025-11-10.

Conditions:
Paget disease of bone 2, early-onset (PDB2). Also called: Paget disease of bone 2. Identifiers: MedGen C4085251, MONDO:0011183, OMIM 602080.
Frontotemporal dementia and/or amyotrophic lateral sclerosis 1 (FTDALS1). Also called: Frontotemporal dementia with motor neuron disease 1; C9orf72 Frontotemporal Dementia and/or Amyotrophic Lateral Sclerosis. Identifiers: Orphanet 275872, MedGen C5779877, MONDO:0007105, OMIM 105550.

Allele frequency attached by ClinVar (database versions not stated): gnomAD exomes 0.00002 and 0.00003; gnomAD 0.00003; TOPMed 0.00003; ExAC 0.00006; ESP Exome Variant Server 0.00008; 1000 Genomes Project 30x 0.00016; 1000 Genomes Project 0.00020.
gnomAD v4.1: 50 of 1,613,988 alleles (0.0031%); highest among the groups gnomAD compares: Middle Eastern, 0.066%; no homozygotes.

Submissions (3):

Labcorp Genetics (formerly Invitae), Labcorp
Classification: Likely benign for Paget disease of bone 2, early-onset; Frontotemporal dementia and/or amyotrophic lateral sclerosis 1. Last evaluated: 2025-11-10. Review status: criteria provided, single submitter. Criteria: Invitae Variant Classification Sherloc (09022015). Collection method: clinical testing. Allele origin: germline.

CeGaT Center for Human Genetics Tuebingen
Classification: Likely benign. Last evaluated: 2025-08-01. Review status: criteria provided, single submitter. Criteria: CeGaT Center For Human Genetics Tuebingen Variant Classification Criteria Version 2. Collection method: clinical testing. Allele origin: germline. Affected: yes. Observed: 1 variant allele.
Comment: SQSTM1: BP4, BP7

Mayo Clinic Laboratories, Mayo Clinic
Classification: Likely benign. Last evaluated: 2025-07-14. Review status: criteria provided, single submitter. Criteria: ACMG Guidelines, 2015. Collection method: clinical testing. Allele origin: germline. Observed: 1 variant allele.
Comment: BP4, BP7

NM_003900.5(SQSTM1):c.498C>T (p.Leu166=)

Gene: SQSTM1 (sequestosome 1; plus strand). Cytogenetic location: 5q35.3.
Variant type: single nucleotide variant.
Coding change: c.498C>T on transcript NM_003900.5 (MANE Select); coding-DNA position 498, C replaced by T.
Protein change: p.Leu166=; no amino-acid change (leucine 166 retained).
Molecular consequence: synonymous variant.
Genome position (GRCh38, 1-based): chr5:179,824,054, C>T. VCF-style: chr5-179824054-C-T. GRCh37 (hg19) VCF-style: chr5-179251054-C-T.
Other names: p.Leu166=; c.246C>T, p.Leu82= (NM_001142298.2, NM_001142299.2).
Identifiers: ClinVar variation 777557 (VCV000777557.19), dbSNP rs372518286, ClinGen allele CA3600525.